The following is an entry in ClinVar:

NM_058216.3(RAD51C):c.169G>T (p.Ala57Ser)

Gene: RAD51C (RAD51 paralog C; plus strand). Cytogenetic location: 17q22.
Variant type: single nucleotide variant.
Coding change: c.169G>T on transcript NM_058216.3 (MANE Select); coding-DNA position 169, G replaced by T.
Protein change: p.Ala57Ser; replaces alanine 57 with serine.
Molecular consequence: missense variant. On other transcripts: non-coding transcript variant (2).
Genome position (GRCh38, 1-based): chr17:58,694,954, G>T. VCF-style: chr17-58694954-G-T. GRCh37 (hg19) VCF-style: chr17-56772315-G-T.
Other names: c.169G>T, p.Ala57Ser (NM_002876.4); short protein forms A57S.
Identifiers: ClinVar variation 1501023 (VCV001501023.8), dbSNP rs1567785745, ClinGen allele CA400339692.
Genomic context (GRCh38, chr17:58,694,954, plus strand): 5'-TAAAATTAGGGTTCTTTTTTTCTTATTTTACTTTCAGAAGTTGGGATATCTAAAGCAGAA[G>T]CCTTAGAAACTCTGCAAATTATCAGAAGAGAATGTCTCACAAATAAACCAAGATATGCTG-3'
Protein context (NP_478123.1, residues 47-67): SKEVGISKAE[Ala57Ser]LETLQIIRRE

ClinVar aggregate classification (germline): Uncertain significance (1 of 4 stars; one submission).

Conditions:
Fanconi anemia complementation group O. Also called: RAD51C-Related Fanconi Anemia. Identifiers: Orphanet 84, MedGen C3150653, MONDO:0013248, OMIM 613390.

Submission:

Labcorp Genetics (formerly Invitae), Labcorp
Classification: Uncertain significance for Fanconi anemia complementation group O. Last evaluated: 2020-11-17. Review status: criteria provided, single submitter. Criteria: Invitae Variant Classification Sherloc (09022015). Collection method: clinical testing. Allele origin: germline.
Comment: This sequence change replaces alanine with serine at codon 57 of the RAD51C protein (p.Ala57Ser). The alanine residue is highly conserved and there is a moderate physicochemical difference between alanine and serine. This variant is not present in population databases (ExAC no frequency). This variant has not been reported in the literature in individuals with RAD51C-related conditions. Algorithms developed to predict the effect of missense changes on protein structure and function are either unavailable or do not agree on the potential impact of this missense change (SIFT: "Deleterious"; PolyPhen-2: "Possibly Damaging"; Align-GVGD: "Class C15"). In summary, the available evidence is currently insufficient to determine the role of this variant in disease. Therefore, it has been classified as a Variant of Uncertain Significance.